The following is an entry in ClinVar:

ClinVar aggregate classification (germline): Benign (0 of 4 stars; one submission).

Conditions:
MDN1-related disorder. Also called: MDN1-related condition.

Allele frequency attached by ClinVar (database versions not stated): gnomAD exomes 0.00166; ExAC 0.00456; gnomAD 0.01379; TOPMed 0.01618; ESP Exome Variant Server 0.01630; 1000 Genomes Project 30x 0.01686; 1000 Genomes Project 0.01757.
gnomAD v4.1: 4,677 of 1,614,080 alleles (0.29%); highest among the groups gnomAD compares: African/African-American, 4.6%; 88 homozygotes.

Submission:

PreventionGenetics, part of Exact Sciences
Classification: Benign for MDN1-related condition. Last evaluated: 2019-02-19. Review status: no assertion criteria provided. Collection method: clinical testing. Allele origin: germline.
Comment: This variant is classified as benign based on ACMG/AMP sequence variant interpretation guidelines (Richards et al. 2015 PMID: 25741868, with internal and published modifications).

NM_014611.3(MDN1):c.12499G>A (p.Ala4167Thr)

Genes: MDN1 (midasin AAA ATPase 1; minus strand), MDN1-AS1 (MDN1 antisense RNA 1; plus strand). Cytogenetic location: 6q15.
Variant type: single nucleotide variant.
Coding change: c.12499G>A on transcript NM_014611.3 (MANE Select); coding-DNA position 12499, G replaced by A.
Protein change: p.Ala4167Thr; replaces alanine 4167 with threonine.
Molecular consequence: missense variant.
Genome position (GRCh38, 1-based): chr6:89,677,610, C>T on the plus strand (G>A on the coding strand, the complement: MDN1 is on the minus strand). VCF-style: chr6-89677610-C-T. GRCh37 (hg19) VCF-style: chr6-90387329-C-T.
Other names: short protein forms A4167T.
Identifiers: ClinVar variation 3038801 (VCV003038801.2), dbSNP rs35509794, ClinGen allele CA3923035.
Genomic context (GRCh38, chr6:89,677,610, plus strand): 5'-CAAAACAAAAACAGACAAACCTAGAATCAGCCTCCTGAGTGCTGCTGACGATGGACAATG[C>T]GCTCTGGAGATCTAATGGGTGAAGATGAAGCATCTCTTGAGGGTTTTTTGAACGGGCCCA-3'
Protein context (NP_055426.1, residues 4157-4177): LHLHPLDLQS[Ala4167Thr]LSIVSSTQEA